The following is an entry in ClinVar:

NM_018993.4(RIN2):c.722G>C (p.Arg241Pro)

Gene: RIN2 (Ras and Rab interactor 2; plus strand). Cytogenetic location: 20p11.23.
Variant type: single nucleotide variant.
Coding change: c.722G>C on transcript NM_018993.4 (MANE Select); coding-DNA position 722, G replaced by C.
Protein change: p.Arg241Pro; replaces arginine 241 with proline.
Molecular consequence: missense variant.
Genome position (GRCh38, 1-based): chr20:19,974,747, G>C. VCF-style: chr20-19974747-G-C. GRCh37 (hg19) VCF-style: chr20-19955391-G-C.
Other names: c.869G>C, p.Arg290Pro (NM_001242581.2); c.104G>C, p.Arg35Pro (NM_001378238.1); short protein forms R241P, R35P, R290P.
Identifiers: ClinVar variation 2101804 (VCV002101804.4), dbSNP rs2515505366, ClinGen allele CA408360833.

ClinVar aggregate classification (germline): Uncertain significance (1 of 4 stars; one submission).

gnomAD v4.1: 1 of 1,613,932 alleles (0.000062%); highest among the groups gnomAD compares: Non-Finnish European, 0.000085%; no homozygotes.

Submission:

Labcorp Genetics (formerly Invitae), Labcorp
Classification: Uncertain significance. Last evaluated: 2022-11-22. Review status: criteria provided, single submitter. Criteria: Invitae Variant Classification Sherloc (09022015). Collection method: clinical testing. Allele origin: germline.
Comment: This sequence change replaces arginine, which is basic and polar, with proline, which is neutral and non-polar, at codon 241 of the RIN2 protein (p.Arg241Pro). This variant is not present in population databases (gnomAD no frequency). This variant has not been reported in the literature in individuals affected with RIN2-related conditions. Algorithms developed to predict the effect of missense changes on protein structure and function are either unavailable or do not agree on the potential impact of this missense change (SIFT: "Tolerated"; PolyPhen-2: "Not Available"; Align-GVGD: "Class C0"). In summary, the available evidence is currently insufficient to determine the role of this variant in disease. Therefore, it has been classified as a Variant of Uncertain Significance.